The following is an entry in ClinVar:

ClinVar aggregate classification (germline): Uncertain significance (1 of 4 stars; one submission).

Conditions:
Hereditary insensitivity to pain with anhidrosis (CIPA). Also called: hereditary sensory and autonomic neuropathy type 4; FAMILIAL DYSAUTONOMIA, TYPE II; INSENSITIVITY TO PAIN, CONGENITAL, WITH ANHIDROSIS; NEUROPATHY, CONGENITAL SENSORY, WITH ANHIDROSIS; NTRK1 Congenital Insensitivity to Pain with Anhidrosis; HSAN Type IV. Identifiers: Orphanet 642, MedGen C0020074, MONDO:0009746, OMIM 256800.

Allele frequency attached by ClinVar (database versions not stated): gnomAD 0.00001.
gnomAD v4.1: 3 of 1,613,942 alleles (0.00019%); highest among the groups gnomAD compares: East Asian, 0.0022%; no homozygotes.

Submission:

Labcorp Genetics (formerly Invitae), Labcorp
Classification: Uncertain significance for Hereditary insensitivity to pain with anhidrosis. Last evaluated: 2022-07-26. Review status: criteria provided, single submitter. Criteria: Invitae Variant Classification Sherloc (09022015). Collection method: clinical testing. Allele origin: germline.
Comment: This sequence change replaces alanine, which is neutral and non-polar, with serine, which is neutral and polar, at codon 629 of the NTRK1 protein (p.Ala629Ser). This variant is present in population databases (no rsID available, gnomAD 0.06%). This variant has not been reported in the literature in individuals affected with NTRK1-related conditions. ClinVar contains an entry for this variant (Variation ID: 1347268). Advanced modeling of protein sequence and biophysical properties (such as structural, functional, and spatial information, amino acid conservation, physicochemical variation, residue mobility, and thermodynamic stability) performed at Invitae indicates that this missense variant is not expected to disrupt NTRK1 protein function. In summary, the available evidence is currently insufficient to determine the role of this variant in disease. Therefore, it has been classified as a Variant of Uncertain Significance.

NM_002529.4(NTRK1):c.1903G>T (p.Ala635Ser)

Gene: NTRK1 (neurotrophic receptor tyrosine kinase 1; plus strand). Cytogenetic location: 1q23.1.
Variant type: single nucleotide variant.
Coding change: c.1903G>T on transcript NM_002529.4 (MANE Select); coding-DNA position 1903, G replaced by T.
Protein change: p.Ala635Ser; replaces alanine 635 with serine.
Molecular consequence: missense variant.
Genome position (GRCh38, 1-based): chr1:156,879,219, G>T. VCF-style: chr1-156879219-G-T. GRCh37 (hg19) VCF-style: chr1-156849011-G-T.
Other names: c.1795G>T, p.Ala599Ser (NM_001007792.1); c.1885G>T, p.Ala629Ser (NM_001012331.2); short protein forms A599S, A635S, A629S.
Identifiers: ClinVar variation 1347268 (VCV001347268.8), dbSNP rs749869863, ClinGen allele CA342939707.